The following is an entry in ClinVar:

ClinVar aggregate classification (germline): Uncertain significance. Review status: criteria provided, multiple submitters, no conflicts (2 of 4 stars). 3 submissions from 3 submitters: Uncertain significance (3). Last evaluated 2025-11-09.

Conditions:
Hereditary cancer-predisposing syndrome. Also called: Tumor predisposition; Hereditary Cancer Syndrome; Neoplastic Syndromes, Hereditary; Hereditary neoplastic syndrome. Identifiers: Orphanet 140162, MedGen C0027672, MeSH D009386, MONDO:0015356.
Familial adenomatous polyposis 1 (FAP1). Also called: FAMILIAL ADENOMATOUS POLYPOSIS 1, ATTENUATED; POLYPOSIS, ADENOMATOUS INTESTINAL. Identifiers: MedGen C2713442, MONDO:0021056, OMIM 175100. Disease mechanism: loss of function.

Allele frequency attached by ClinVar (database versions not stated): gnomAD exomes below 0.00001; TOPMed below 0.00001; gnomAD 0.00001.

Submissions (3):

Labcorp Genetics (formerly Invitae), Labcorp
Classification: Uncertain significance for Familial adenomatous polyposis 1. Last evaluated: 2025-11-09. Review status: criteria provided, single submitter. Criteria: Invitae Variant Classification Sherloc (09022015). Collection method: clinical testing. Allele origin: germline.
Comment: This sequence change replaces glutamic acid, which is acidic and polar, with glycine, which is neutral and non-polar, at codon 100 of the APC protein (p.Glu100Gly). This variant is not present in population databases (gnomAD no frequency). This variant has not been reported in the literature in individuals affected with APC-related conditions. ClinVar contains an entry for this variant (Variation ID: 822493). Invitae Evidence Modeling of protein sequence and biophysical properties (such as structural, functional, and spatial information, amino acid conservation, physicochemical variation, residue mobility, and thermodynamic stability) indicates that this missense variant is not expected to disrupt APC protein function with a negative predictive value of 95%. In summary, the available evidence is currently insufficient to determine the role of this variant in disease. Therefore, it has been classified as a Variant of Uncertain Significance.

GeneDx
Classification: Uncertain significance. Last evaluated: 2024-10-29. Review status: criteria provided, single submitter. Criteria: GeneDx Variant Classification Process June 2021. Collection method: clinical testing. Allele origin: germline. Affected: yes.
Comment: Not observed at significant frequency in large population cohorts (gnomAD); In silico analysis indicates that this missense variant does not alter protein structure/function; Has not been previously published as pathogenic or benign to our knowledge

Ambry Genetics
Classification: Uncertain significance for Hereditary cancer-predisposing syndrome. Last evaluated: 2019-11-07. Review status: criteria provided, single submitter. Criteria: Ambry Variant Classification Scheme 2023. Collection method: clinical testing. Allele origin: germline.
Comment: The p.E100G variant (also known as c.299A>G), located in coding exon 3 of the APC gene, results from an A to G substitution at nucleotide position 299. The glutamic acid at codon 100 is replaced by glycine, an amino acid with similar properties. This amino acid position is highly conserved in available vertebrate species. In addition, in silico predictors for this gene do not accurately predict pathogenicity. Since supporting evidence is limited at this time, the clinical significance of this alteration remains unclear.

NM_000038.6(APC):c.299A>G (p.Glu100Gly)

Gene: APC (APC regulator of Wnt signaling pathway; plus strand). Cytogenetic location: 5q22.2.
Variant type: single nucleotide variant.
Coding change: c.299A>G on transcript NM_000038.6 (MANE Select); coding-DNA position 299, A replaced by G.
Protein change: p.Glu100Gly; replaces glutamic acid 100 with glycine.
Molecular consequence: missense variant. On other transcripts: 5 prime UTR variant (1).
Genome position (GRCh38, 1-based): chr5:112,767,267, A>G. VCF-style: chr5-112767267-A-G. GRCh37 (hg19) VCF-style: chr5-112102964-A-G.
Other names: c.299A>G, p.Glu100Gly (NM_001127510.3, NM_001354895.2, NM_001354896.2 and 2 more transcripts); c.329A>G, p.Glu110Gly (NM_001127511.3, NM_001354897.2, NM_001354902.2); c.224A>G, p.Glu75Gly (NM_001354898.2, NM_001354904.2); c.122A>G, p.Glu41Gly (NM_001354900.2, NM_001354901.2, NM_001354905.2); c.-737A>G (NM_001354906.2); short protein forms E75G, E100G, E41G, E110G.
Identifiers: ClinVar variation 822493 (VCV000822493.6), dbSNP rs1580328530, ClinGen allele CA16021982.